The following is an entry in ClinVar:

NM_001267550.2(TTN):c.49757_49758insATAA (p.Tyr16586Ter)

Genes: TTN (titin; minus strand), TTN-AS1 (TTN antisense RNA 1; plus strand). Cytogenetic location: 2q31.2.
Variant type: Insertion.
Coding change: c.49757_49758insATAA on transcript NM_001267550.2 (MANE Select); coding-DNA positions 49757 to 49758, ATAA inserted.
Protein change: p.Tyr16586Ter; replaces tyrosine 16586 with a stop codon.
Molecular consequence: nonsense.
Genome position: GRCh38 VCF-style: chr2-178612963-A-ATTAT. GRCh37 (hg19) VCF-style: chr2-179477690-A-ATTAT.
Other names: c.44834_44835insATAA, p.Tyr14945Ter (NM_001256850.1); c.22562_22563insATAA, p.Tyr7521Ter (NM_003319.4); c.42053_42054insATAA, p.Tyr14018Ter (NM_133378.4); c.22937_22938insATAA, p.Tyr7646Ter (NM_133432.3); c.23138_23139insATAA, p.Tyr7713Ter (NM_133437.4); short protein forms Y14018*, Y14945*, Y16586*, Y7521*, Y7646*, Y7713*.
Identifiers: ClinVar variation 3382367 (VCV003382367.3).

ClinVar aggregate classification (germline): Likely pathogenic (1 of 4 stars; one submission).

Conditions:
Dilated cardiomyopathy 1G (CMD1G). Identifiers: Orphanet 154, MedGen C1858763, MONDO:0011400, OMIM 604145.
Hypertrophic cardiomyopathy 9. Also called: Familial hypertrophic cardiomyopathy 9. Identifiers: MedGen C1861065, MONDO:0013412, OMIM 613765.
Early-onset myopathy with fatal cardiomyopathy (CMYO5). Also called: Salih Myopathy; CONGENITAL MYOPATHY 5 WITH CARDIOMYOPATHY. Identifiers: Orphanet 289377, MedGen C2673677, MONDO:0012714, OMIM 611705. Disease mechanism: loss of function.
Tibial muscular dystrophy (TMD). Also called: Tibial muscular dystrophy, tardive; Udd Distal Myopathy – Tibial Muscular Dystrophy; UDD MYOPATHY. Identifiers: Orphanet 609, MedGen C1838244, MONDO:0010870, OMIM 600334.
Autosomal recessive limb-girdle muscular dystrophy type 2J (LGMDR10). Also called: MUSCULAR DYSTROPHY, LIMB-GIRDLE, AUTOSOMAL RECESSIVE 10; Limb-girdle muscular dystrophy, type 2J. Identifiers: Orphanet 140922, MedGen C1837342, MONDO:0012127, OMIM 608807.
Myopathy, myofibrillar, 9, with early respiratory failure (MFM9). Also called: EDSTROM MYOPATHY; Myopathy, distal, with early respiratory failure, autosomal dominant; Hereditary myopathy with early respiratory failure; MYOPATHY, PROXIMAL, WITH EARLY RESPIRATORY MUSCLE INVOLVEMENT. Identifiers: Orphanet 178464, Orphanet 34521, MedGen C1863599, MONDO:0011362, OMIM 603689.

Submission:

Juno Genomics, Hangzhou Juno Genomics, Inc
Classification: Likely pathogenic for Early-onset myopathy with fatal cardiomyopathy; Dilated cardiomyopathy 1G; Hypertrophic cardiomyopathy 9; Autosomal recessive limb-girdle muscular dystrophy type 2J; Myopathy, myofibrillar, 9, with early respiratory failure; Tibial muscular dystrophy. Review status: criteria provided, single submitter. Criteria: ACMG Guidelines, 2015. Collection method: clinical testing. Allele origin: germline.
Comment: Absent from controls (or at extremely low frequency if recessive) in Genome Aggregation Database.;Null variant in a gene where loss of function (LOF) is a known mechanism of disease.